The following is an entry in ClinVar:

ClinVar aggregate classification (germline): Uncertain significance (1 of 4 stars; one submission).

Conditions:
Congenital contractural arachnodactyly (CCA). Also called: BEALS SYNDROME; Arthrogryposis, distal, type 9; Beals-Hecht syndrome. Identifiers: Orphanet 115, MedGen C0220668, MONDO:0007363, OMIM 121050.

gnomAD v4.1: 1 of 1,613,508 alleles (0.000062%); highest among the groups gnomAD compares: Non-Finnish European, 0.000085%; no homozygotes.

Submission:

Labcorp Genetics (formerly Invitae), Labcorp
Classification: Uncertain significance for Congenital contractural arachnodactyly. Last evaluated: 2025-11-24. Review status: criteria provided, single submitter. Criteria: Invitae Variant Classification Sherloc (09022015). Collection method: clinical testing. Allele origin: germline.
Comment: This sequence change replaces glutamine, which is neutral and polar, with histidine, which is basic and polar, at codon 599 of the FBN2 protein (p.Gln599His). This variant is not present in population databases (gnomAD no frequency). This variant has not been reported in the literature in individuals affected with FBN2-related conditions. ClinVar contains an entry for this variant (Variation ID: 2992913). Invitae Evidence Modeling of protein sequence and biophysical properties (such as structural, functional, and spatial information, amino acid conservation, physicochemical variation, residue mobility, and thermodynamic stability) indicates that this missense variant is not expected to disrupt FBN2 protein function with a negative predictive value of 95%. In summary, the available evidence is currently insufficient to determine the role of this variant in disease. Therefore, it has been classified as a Variant of Uncertain Significance.

NM_001999.4(FBN2):c.1797G>T (p.Gln599His)

Gene: FBN2 (fibrillin 2; minus strand). Cytogenetic location: 5q23.3.
Variant type: single nucleotide variant.
Coding change: c.1797G>T on transcript NM_001999.4 (MANE Select); coding-DNA position 1797, G replaced by T.
Protein change: p.Gln599His; replaces glutamine 599 with histidine.
Molecular consequence: missense variant.
Genome position (GRCh38, 1-based): chr5:128,377,804, C>A on the plus strand (G>T on the coding strand, the complement: FBN2 is on the minus strand). VCF-style: chr5-128377804-C-A. GRCh37 (hg19) VCF-style: chr5-127713497-C-A.
Other names: short protein forms Q599H.
Identifiers: ClinVar variation 2992913 (VCV002992913.3), dbSNP rs377440490, ClinGen allele CA360742513.